The following is an entry in ClinVar:

ClinVar aggregate classification (germline): Uncertain significance. Review status: criteria provided, multiple submitters, no conflicts (2 of 4 stars). 15 submissions from 15 submitters: Uncertain significance (14). 1 of the submissions does not count toward it. Last evaluated 2026-01-26.

Conditions:
CHEK2-related disorder.
Gastric cancer. Also called: Malignant tumor of stomach; Stomach cancer. Identifiers: MedGen C0024623, MeSH D013274, MONDO:0001056, OMIM 613659, HP:0012126.
Breast and/or ovarian cancer. Identifiers: MedGen CN221562.
Hereditary cancer-predisposing syndrome. Also called: Neoplastic Syndromes, Hereditary; Hereditary neoplastic syndrome; Hereditary Cancer Syndrome; Tumor predisposition. Identifiers: Orphanet 140162, MedGen C0027672, MeSH D009386, MONDO:0015356.
Familial prostate cancer. Also called: Hereditary Prostate Cancer. Identifiers: MedGen C2931456, MONDO:0700275, OMIM 176807.
Hereditary breast ovarian cancer syndrome. Also called: Breast and ovarian cancer; Hereditary breast and/or ovarian cancer syndrome; Hereditary breast and ovarian cancer syndrome; Hereditary breast and ovarian cancer syndrome (HBOC); Hereditary breast and ovarian cancer; BRCA1- and BRCA2-Associated Hereditary Breast and Ovarian Cancer. Identifiers: Orphanet 145, MedGen C0677776, MeSH D061325, MONDO:0003582. Disease mechanism: loss of function.
Familial cancer of breast. Also called: BREAST CANCER, FAMILIAL; hereditary breast carcinoma; Hereditary breast cancer. Identifiers: Orphanet 227535, MedGen C0346153, MONDO:0016419, OMIM 114480. Disease mechanism: loss of function.

Submissions (15):

Labcorp Genetics (formerly Invitae), Labcorp
Classification: Uncertain significance for Familial cancer of breast. Last evaluated: 2026-01-26. Review status: criteria provided, single submitter. Criteria: Invitae Variant Classification Sherloc (09022015). Collection method: clinical testing. Allele origin: germline.
Comment: This sequence change is expected to alter the c-terminus of the CHEK2 protein (p.Arg523Valfs*43). While this is not anticipated to result in nonsense mediated decay, it is expected to disrupt the last 21 amino acid(s) of the CHEK2 protein and extend the protein by 21 additional amino acid residues. The frequency data for this variant in the population databases is considered unreliable, as metrics indicate poor data quality at this position in the gnomAD database. This frameshift has been observed in individual(s) with ovarian cancer (PMID: 28888541). ClinVar contains an entry for this variant (Variation ID: 142737). Experimental studies and prediction algorithms are not available or were not evaluated, and the functional significance of this variant is currently unknown. The last exon of the CHEK2 gene contains coding sequences for a nuclear localization signal (NLS, residues 515-522), which is necessary for CHEK2 cellular functioning in the nucleus (PMID: 12909615, 18004398). This variant causes a frameshift at codon 523 and is not expected to affect the NLS, but it may affect protein structure and/or stability. Experimental studies have not been performed to test its effect on protein function. In summary, the available evidence is currently insufficient to determine the role of this variant in disease. Therefore, it has been classified as a Variant of Uncertain Significance.

Ambry Genetics
Classification: Uncertain significance for Hereditary cancer-predisposing syndrome. Last evaluated: 2025-10-29. Review status: criteria provided, single submitter. Criteria: Ambry Variant Classification Scheme 2023. Collection method: clinical testing. Allele origin: germline.
Comment: The c.1567delC variant, located in coding exon 14 of the CHEK2 gene, results from a deletion of one nucleotide at nucleotide position 1567, causing a translational frameshift with a predicted alternate stop codon (p.R523Vfs*43). This alteration occurs at the 3' terminus of the gene, is not expected to trigger nonsense-mediated mRNAdecay and results in the elongation of the protein by 21 amino acids. This frameshift impacts the last 21amino acids of the native protein. The exact functional effect of the altered amino acids is unknown. Based on the available evidence, the clinical significance of this variant remains unclear.

GeneDx
Classification: Uncertain significance. Last evaluated: 2024-12-26. Review status: criteria provided, single submitter. Criteria: GeneDx Variant Classification Process June 2021. Collection method: clinical testing. Allele origin: germline. Affected: yes.
Comment: Frameshift variant predicted to result in abnormal protein length as the last 21 amino acid(s) are replaced with 42 different amino acid(s); Observed in individuals with a personal and/or family history of ovarian or other cancers undergoing hereditary cancer panel testing (PMID: 27751358, 28888541); Not observed at significant frequency in large population cohorts (gnomAD); This variant is associated with the following publications: (PMID: 31056428, 28888541, 29922827, 27751358)

Department of Pathology and Laboratory Medicine, Sinai Health System
Classification: Uncertain significance for Familial prostate cancer. Last evaluated: 2024-11-11. Review status: criteria provided, single submitter. Criteria: ACMG Guidelines, 2015. Collection method: clinical testing. Allele origin: germline. Affected: yes.

Molecular Pathology, Peter Maccallum Cancer Centre
Classification: Uncertain significance for Familial cancer of breast. Last evaluated: 2024-05-20. Review status: criteria provided, single submitter. Criteria: ACMG Guidelines, 2015. Collection method: clinical testing. Allele origin: germline. Inheritance: Autosomal dominant inheritance.

Color Diagnostics, LLC DBA Color Health
Classification: Uncertain significance for Hereditary cancer-predisposing syndrome. Last evaluated: 2024-03-18. Review status: criteria provided, single submitter. Criteria: ACMG Guidelines, 2015. Collection method: clinical testing. Allele origin: germline.
Comment: This variant deletes 1 nucleotide in exon 15 of the CHEK2 gene, creating a frameshift at codon 523, replacing the last 21 amino acids, and extending the length of the encoded protein by 21 additional amino acids. To our knowledge, this variant has not been reported in published functional studies. This variant has been reported in individuals affected with ovarian, prostate, and/or colorectal cancer (PMID: 28888541, 31497750). This variant has not been identified in the general population by the Genome Aggregation Database (gnomAD). The available evidence is insufficient to determine the role of this variant in disease conclusively. Therefore, this variant is classified as a Variant of Uncertain Significance.

Blueprint Genetics
Classification: Uncertain significance. Last evaluated: 2024-01-10. Review status: criteria provided, single submitter. Criteria: ACMG Guidelines, 2015. Collection method: clinical testing. Allele origin: germline.

German Consortium for Hereditary Breast and Ovarian Cancer, University Hospital Cologne
Classification: Uncertain significance for Hereditary breast ovarian cancer syndrome. Last evaluated: 2023-10-18. Review status: criteria provided, single submitter. Criteria: ACMG Guidelines, 2015. Collection method: curation. Allele origin: germline.
Comment: Frameshift variant in the last exon without known additional PTVs classified as Class 4/5. According to the ACMG standard criteria we chose these criteria: PVS1 (supporting pathogenic): Frameshift variant in the last exon without known additional PTVs, PM2 (supporting pathogenic): Not in gnomAD

Baylor Genetics
Classification: Uncertain significance for Familial cancer of breast. Last evaluated: 2023-06-26. Review status: criteria provided, single submitter. Criteria: ACMG Guidelines, 2015. Collection method: clinical testing. Allele origin: unknown.

PreventionGenetics, part of Exact Sciences
Classification: Uncertain significance for CHEK2-related condition. Last evaluated: 2023-06-09. Review status: criteria provided, single submitter. Criteria: ACMG Guidelines, 2015. Collection method: clinical testing. Allele origin: germline.
Comment: The CHEK2 c.1567delC variant is predicted to result in a frameshift and premature protein termination (p.Arg523Valfs*43). This variant has been reported in 4 individuals from a multiple breast/ovarian cancer cohort study (Table 1, Leedom et al. 2016. PubMed ID: 27751358). In ClinVar, this variant has interpretations of both likely pathogenic and uncertain significance. At this time, the clinical significance of this variant is uncertain due to the absence of conclusive functional and genetic evidence.

Women's Health and Genetics/Laboratory Corporation of America, LabCorp
Classification: Uncertain significance. Last evaluated: 2022-06-09. Review status: criteria provided, single submitter. Criteria: LabCorp Variant Classification Summary - May 2015. Collection method: clinical testing. Allele origin: germline.
Comment: Variant summary: CHEK2 c.1567delC (p.Arg523ValfsX43) causes a frameshift which results in an extension of the protein. The variant allele was found at a frequency of 8.6e-06 in 233408 control chromosomes (gnomAD). c.1567delC has been reported in the literature in individuals affected with various cancers, including prostate and breast cancer (e.g. Hu_2018, Leedom_2016, Slavin_2019). These reports do not provide unequivocal conclusions about association of the variant with Hereditary Breast And Ovarian Cancer Syndrome. To our knowledge, no experimental evidence demonstrating an impact on protein function has been reported. Five ClinVar submitters have assessed the variant since 2014: all five classified the variant as of uncertain significance. Based on the evidence outlined above, the variant was classified as uncertain significance.

Sema4
Classification: Uncertain significance for Hereditary cancer-predisposing syndrome. Last evaluated: 2022-03-13. Review status: criteria provided, single submitter. Criteria: Sema4 Curation Guidelines. Collection method: curation. Allele origin: germline.
Comment: The CHEK2 c.1567delC (p.R523VfsX43) variant has been reported in individuals undergoing hereditary cancer panel testing due to an unspecified personal/family history of cancer (PMID: 27751358). It was observed in 1/19552 chromosomes in the East Asian population according to the Genome Aggregation Database (PMID: 32461654). This variant has been reported in ClinVar (Variation ID: 142737). This variant causes a frameshift in amino acid 523, which is located in the last exon of CHEK2 gene. This variant is not expected to cause nonsense-mediated decay, but it may affect protein structure and/or stability. The evidence is insufficient to meet ACMG/AMP criteria for classifying the variant as benign or pathogenic. Thus, the clinical significance of this variant is currently uncertain.

Genetics and Molecular Pathology, SA Pathology
Classification: Uncertain significance for Familial cancer of breast. Last evaluated: 2019-12-27. Review status: criteria provided, single submitter. Criteria: ACMG Guidelines, 2015. Collection method: clinical testing. Allele origin: germline. Affected: yes.
Comment: The CHEK2 c.1696delC variant is classified as VUS (PM2, PP5) Insufficient evidence; rare, but found in last exon with no other PTC variants downstream definitively regarded as pathogenic. Not effect NMD, and not remove NLS, not particularly well conserved region (Homologene)

CHEO Genetics Diagnostic Laboratory, Children's Hospital of Eastern Ontario
Classification: Uncertain significance for Breast and/or ovarian cancer. Last evaluated: 2019-11-11. Review status: criteria provided, single submitter. Criteria: ACMG Guidelines, 2015. Collection method: clinical testing. Allele origin: germline.

Laboratory for Genotyping Development, RIKEN
Classification: Pathogenic for Gastric cancer. Last evaluated: 2021-07-01. Review status: no assertion criteria provided. Collection method: research. Allele origin: germline. Not counted in ClinVar's aggregate classification.

Literature cited by the submitters: PubMed 28888541 (cited by Labcorp Genetics (formerly Invitae), Labcorp and Color Diagnostics, LLC DBA Color Health); PubMed 12909615 (cited by Labcorp Genetics (formerly Invitae), Labcorp); PubMed 18004398 (cited by Labcorp Genetics (formerly Invitae), Labcorp); PubMed 27751358 (cited by 4 submitters); PubMed 31497750 (cited by 3 submitters); PubMed 31056428 (cited by Women's Health and Genetics/Laboratory Corporation of America, LabCorp); PubMed 36988593 (cited by Laboratory for Genotyping Development, RIKEN).

NM_007194.4(CHEK2):c.1567del (p.Arg523fs)

Gene: CHEK2 (checkpoint kinase 2; minus strand). Cytogenetic location: 22q12.1.
Variant type: Deletion.
Coding change: c.1567del on transcript NM_007194.4 (MANE Select); coding-DNA position 1567, one base deleted (C; older notation c.1567delC).
Protein change: p.Arg523fs; shifts the reading frame from arginine 523.
Molecular consequence: frameshift variant.
Genome position (GRCh38, 1-based): chr22:28,687,962, G deleted on the plus strand (C on the coding strand, the reverse complement: CHEK2 is on the minus strand); the first of 4 consecutive G bases (chr22:28,687,962-28,687,965); deleting any one gives the same sequence. VCF-style (leftmost placement, unchanged base first): chr22-28687961-CG-C. GRCh37 (hg19) VCF-style: chr22-29083949-CG-C.
Other names: c.1693delC, p.Arg566Valfs (NM_001005735.3); c.901delC, p.Arg302Valfs (NM_001257387.3); c.1363delC, p.Arg456Valfs (NM_001349956.3); c.1477delC, p.Arg494Valfs (NM_145862.3); c.1567del (NM_007194.3); short protein forms R302fs, R494fs, R523fs, R566fs, R456fs.
Identifiers: ClinVar variation 142737 (VCV000142737.49), dbSNP rs587782684, ClinGen allele CA294479.